The following is an entry in ClinVar:

NM_004746.4(DLGAP1):c.2247T>C (p.His749=)

Gene: DLGAP1 (DLG associated protein 1; minus strand). Cytogenetic location: 18p11.31.
Variant type: single nucleotide variant.
Coding change: c.2247T>C on transcript NM_004746.4 (MANE Select); coding-DNA position 2247, T replaced by C.
Protein change: p.His749=; no amino-acid change (histidine 749 retained).
Molecular consequence: synonymous variant.
Genome position (GRCh38, 1-based): chr18:3,534,426, A>G on the plus strand (T>C on the coding strand, the complement: DLGAP1 is on the minus strand). VCF-style: chr18-3534426-A-G. GRCh37 (hg19) VCF-style: chr18-3534424-A-G.
Other names: c.1341T>C, p.His447= (NM_001003809.3, NM_001242765.2); c.2247T>C, p.His749= (NM_001242761.2); c.1299T>C, p.His433= (NM_001242762.2); c.1413T>C, p.His471= (NM_001242763.2); c.1365T>C, p.His455= (NM_001242764.2); c.1371T>C, p.His457= (NM_001242766.2); c.1395T>C, p.His465= (NM_001308390.2).
Identifiers: ClinVar variation 727983 (VCV000727983.5), dbSNP rs140250387, ClinGen allele CA8876169.

ClinVar aggregate classification (germline): Likely benign. Review status: criteria provided, single submitter (1 of 4 stars). 2 submissions from 2 submitters: Likely benign (1). 1 of the submissions does not count toward it. Last evaluated 2018-06-20.

Conditions:
DLGAP1-related disorder. Also called: DLGAP1-related condition.

Allele frequency attached by ClinVar (database versions not stated): TOPMed 0.00077; gnomAD exomes 0.00084 and 0.00138; gnomAD 0.00087 and 0.00092; ESP Exome Variant Server 0.00092; ExAC 0.00104.
gnomAD v4.1: 2,108 of 1,614,056 alleles (0.13%); highest among the groups gnomAD compares: Non-Finnish European, 0.17%; 2 homozygotes.

Submissions (2):

Labcorp Genetics (formerly Invitae), Labcorp
Classification: Likely benign. Last evaluated: 2018-06-20. Review status: criteria provided, single submitter. Criteria: Invitae Variant Classification Sherloc (09022015). Collection method: clinical testing. Allele origin: germline.

PreventionGenetics, part of Exact Sciences
Classification: Likely benign for DLGAP1-related condition. Last evaluated: 2019-12-11. Review status: no assertion criteria provided. Collection method: clinical testing. Allele origin: germline. Not counted in ClinVar's aggregate classification.
Comment: This variant is classified as likely benign based on ACMG/AMP sequence variant interpretation guidelines (Richards et al. 2015 PMID: 25741868, with internal and published modifications).